The following is an entry in ClinVar:

NM_001012614.2(CTBP1):c.1211C>T (p.Ala404Val)

Genes: CTBP1 (C-terminal binding protein 1; minus strand), CTBP1-AS (CTBP1 antisense RNA; plus strand). Cytogenetic location: 4p16.3.
Variant type: single nucleotide variant.
Coding change: c.1211C>T on transcript NM_001012614.2 (MANE Select); coding-DNA position 1211, C replaced by T.
Protein change: p.Ala404Val; replaces alanine 404 with valine.
Molecular consequence: missense variant. On other transcripts: non-coding transcript variant (1).
Genome position (GRCh38, 1-based): chr4:1,212,319, G>A on the plus strand (C>T on the coding strand, the complement: CTBP1 is on the minus strand). VCF-style: chr4-1212319-G-A. GRCh37 (hg19) VCF-style: chr4-1206107-G-A.
Other names: c.1244C>T, p.Ala415Val (NM_001328.3); c.1247C>T, p.Ala416Val (NM_001377186.1); c.1214C>T, p.Ala405Val (NM_001377187.1, NM_001377188.1, NM_001377189.1 and 1 more transcripts); c.1211C>T, p.Ala404Val (NM_001377191.1, NM_001377192.1, NM_001377193.1); c.1244C>T (NM_001328.2); short protein forms A404V, A405V, A415V, A416V.
Identifiers: ClinVar variation 2575621 (VCV002575621.2), dbSNP rs1372176539, ClinGen allele CA355944229.

ClinVar aggregate classification (germline): Uncertain significance. Review status: criteria provided, multiple submitters, no conflicts (2 of 4 stars). 2 submissions from 2 submitters: Uncertain significance (2). Last evaluated 2025-05-20.

Conditions:
Inborn genetic diseases. Identifiers: MedGen C0950123, MeSH D030342.

Allele frequency attached by ClinVar (database versions not stated): gnomAD 0.00001; TOPMed 0.00002.
gnomAD v4.1: 6 of 768,762 alleles (0.00078%); highest among the groups gnomAD compares: Admixed American, 0.0029%; no homozygotes.

Submissions (2):

Ambry Genetics
Classification: Uncertain significance for Inborn genetic diseases. Last evaluated: 2025-05-20. Review status: criteria provided, single submitter. Criteria: Ambry Variant Classification Scheme 2023. Collection method: clinical testing. Allele origin: germline.

GeneDx
Classification: Uncertain significance. Last evaluated: 2023-02-13. Review status: criteria provided, single submitter. Criteria: GeneDx Variant Classification Process June 2021. Collection method: clinical testing. Allele origin: germline. Affected: yes.
Comment: Not observed at significant frequency in large population cohorts (gnomAD); In silico analysis supports that this missense variant does not alter protein structure/function; Has not been previously published as pathogenic or benign to our knowledge